The following is an entry in ClinVar:

NM_003000.3(SDHB):c.352G>T (p.Asp118Tyr)

Gene: SDHB (succinate dehydrogenase complex iron sulfur subunit B; minus strand). Cytogenetic location: 1p36.13.
Variant type: single nucleotide variant.
Coding change: c.352G>T on transcript NM_003000.3 (MANE Select); coding-DNA position 352, G replaced by T.
Protein change: p.Asp118Tyr; replaces aspartic acid 118 with tyrosine.
Molecular consequence: missense variant.
Genome position (GRCh38, 1-based): chr1:17,028,671, C>A on the plus strand (G>T on the coding strand, the complement: SDHB is on the minus strand). VCF-style: chr1-17028671-C-A. GRCh37 (hg19) VCF-style: chr1-17355166-C-A.
Other names: short protein forms D118Y.
Identifiers: ClinVar variation 142076 (VCV000142076.7), dbSNP rs200021702, ClinGen allele CA015778.

ClinVar aggregate classification (germline): Conflicting classifications of pathogenicity. Review status: criteria provided, conflicting classifications (1 of 4 stars). 2 submissions from 2 submitters: Likely pathogenic (1); Uncertain significance (1). Last evaluated 2025-12-06.

Conditions:
Gastrointestinal stromal tumor. Also called: Gastrointestinal stromal tumor, somatic; Gastrointestinal stroma tumor. Identifiers: Orphanet 44890, MedGen C0238198, MeSH D046152, MONDO:0011719, OMIM 606764, HP:0100723.
Pheochromocytoma. Also called: MAX-Related Hereditary Paraganglioma-Pheochromocytoma Syndrome. Identifiers: Orphanet 29072, MedGen C0031511, MONDO:0008233, OMIM 171300, HP:0002666.
Pheochromocytoma/paraganglioma syndrome 4. Also called: Paragangliomas 4; PARAGANGLIOMA, FAMILIAL MALIGNANT; PARAGANGLIOMAS, HEREDITARY EXTRAADRENAL; PHEOCHROMOCYTOMA, FAMILIAL EXTRAADRENAL; SDHB-Related Hereditary Paraganglioma-Pheochromocytoma Syndrome; CAROTID BODY TUMORS AND MULTIPLE EXTRAADRENAL PHEOCHROMOCYTOMAS. Identifiers: Orphanet 29072, MedGen C1861848, MONDO:0007273, OMIM 115310.
Hereditary cancer-predisposing syndrome. Also called: Tumor predisposition; Neoplastic Syndromes, Hereditary; Hereditary Cancer Syndrome; Hereditary neoplastic syndrome. Identifiers: Orphanet 140162, MedGen C0027672, MeSH D009386, MONDO:0015356.

Submissions (2):

Labcorp Genetics (formerly Invitae), Labcorp
Classification: Uncertain significance for Gastrointestinal stromal tumor; Pheochromocytoma/paraganglioma syndrome 4; Pheochromocytoma. Last evaluated: 2025-12-06. Review status: criteria provided, single submitter. Criteria: Invitae Variant Classification Sherloc (09022015). Collection method: clinical testing. Allele origin: germline.
Comment: This sequence change replaces aspartic acid, which is acidic and polar, with tyrosine, which is neutral and polar, at codon 118 of the SDHB protein (p.Asp118Tyr). This variant is not present in population databases (gnomAD no frequency). This missense change has been observed in individual(s) with pheochromocytoma and/or paraganglioma (PMID: 34906457; internal data). ClinVar contains an entry for this variant (Variation ID: 142076). Invitae Evidence Modeling of protein sequence and biophysical properties (such as structural, functional, and spatial information, amino acid conservation, physicochemical variation, residue mobility, and thermodynamic stability) has been performed for this missense variant. However, the output from this modeling did not meet the statistical confidence thresholds required to predict the impact of this variant on SDHB protein function. In summary, the available evidence is currently insufficient to determine the role of this variant in disease. Therefore, it has been classified as a Variant of Uncertain Significance.

Ambry Genetics
Classification: Likely pathogenic for Hereditary cancer-predisposing syndrome. Last evaluated: 2024-04-25. Review status: criteria provided, single submitter. Criteria: Ambry Variant Classification Scheme 2023. Collection method: clinical testing. Allele origin: germline.
Comment: The p.D118Y variant (also known as c.352G>T), located in coding exon 4 of the SDHB gene, results from a G to T substitution at nucleotide position 352. The aspartic acid at codon 118 is replaced by tyrosine, an amino acid with highly dissimilar properties. This variant has been observed in at least one individual with a personal and/or family history that is consistent with SDHB-associated disease (Ambry internal data). This amino acid position is highly conserved in available vertebrate species. In addition, this alteration is predicted to be deleterious by in silico analysis. This variant is considered to be rare based on population cohorts in the Genome Aggregation Database (gnomAD). Based on the majority of available evidence to date, this variant is likely to be pathogenic.

Literature cited by the submitters: PubMed 34906457 (cited by Labcorp Genetics (formerly Invitae), Labcorp).